The following is an entry in ClinVar:

ClinVar aggregate classification (germline): Uncertain significance (1 of 4 stars; one submission).

Conditions:
Developmental and epileptic encephalopathy 94 (DEE94). Also called: CHD2-Related Neurodevelopmental Disorders; Epileptic encephalopathy, childhood-onset. Identifiers: Orphanet 1942, Orphanet 2382, MedGen C3809278, MONDO:0014150, OMIM 615369.

Submission:

Labcorp Genetics (formerly Invitae), Labcorp
Classification: Uncertain significance for Developmental and epileptic encephalopathy 94. Last evaluated: 2023-06-11. Review status: criteria provided, single submitter. Criteria: Invitae Variant Classification Sherloc (09022015). Collection method: clinical testing. Allele origin: germline.
Comment: This sequence change replaces threonine, which is neutral and polar, with alanine, which is neutral and non-polar, at codon 298 of the CHD2 protein (p.Thr298Ala). This variant is not present in population databases (gnomAD no frequency). This variant has not been reported in the literature in individuals affected with CHD2-related conditions. Advanced modeling of protein sequence and biophysical properties (such as structural, functional, and spatial information, amino acid conservation, physicochemical variation, residue mobility, and thermodynamic stability) performed at Invitae indicates that this missense variant is not expected to disrupt CHD2 protein function. In summary, the available evidence is currently insufficient to determine the role of this variant in disease. Therefore, it has been classified as a Variant of Uncertain Significance.

NM_001271.4(CHD2):c.892A>G (p.Thr298Ala)

Gene: CHD2 (chromodomain helicase DNA binding protein 2; plus strand). Cytogenetic location: 15q26.1.
Variant type: single nucleotide variant.
Coding change: c.892A>G on transcript NM_001271.4 (MANE Select); coding-DNA position 892, A replaced by G.
Protein change: p.Thr298Ala; replaces threonine 298 with alanine.
Molecular consequence: missense variant.
Genome position (GRCh38, 1-based): chr15:92,942,908, A>G. VCF-style: chr15-92942908-A-G. GRCh37 (hg19) VCF-style: chr15-93486138-A-G.
Other names: c.892A>G, p.Thr298Ala (NM_001042572.3); short protein forms T298A.
Identifiers: ClinVar variation 2805287 (VCV002805287.3), dbSNP rs2505446845, ClinGen allele CA393901611.